The following is an entry in ClinVar:

ClinVar aggregate classification (germline): Uncertain significance. Review status: criteria provided, single submitter (1 of 4 stars). 2 submissions from 2 submitters: Uncertain significance (1). 1 of the submissions does not count toward it. Last evaluated 2017-08-22.

Conditions:
Primary hyperoxaluria, type I (HP1). Also called: OXALOSIS I; Primary hyperoxaluria type 1; GLYCOLIC ACIDURIA; HEPATIC AGT DEFICIENCY. Identifiers: Orphanet 416, Orphanet 93598, MedGen C0268164, MONDO:0009823, OMIM 259900. Disease mechanism: loss of function.

Allele frequency attached by ClinVar (database versions not stated): gnomAD 0.00001; gnomAD exomes 0.00001; TOPMed 0.00001.
gnomAD v4.1: 10 of 1,613,360 alleles (0.00062%); highest among the groups gnomAD compares: Non-Finnish European, 0.00085%; no homozygotes.

Submissions (2):

GeneDx
Classification: Uncertain significance. Last evaluated: 2017-08-22. Review status: criteria provided, single submitter. Criteria: GeneDx Variant Classification (06012015). Collection method: clinical testing. Allele origin: germline. Affected: yes.
Comment: The A226T variant in the AGXT gene has not been reported previously as a pathogenic variant, nor as a benign variant, to our knowledge. The A226T variant is not observed in large population cohorts (Lek et al., 2016; 1000 Genomes Consortium et al., 2015; Exome Variant Server). The A226T variant is a non-conservative amino acid substitution, which is likely to impact secondary protein structure as these residues differ in polarity, charge, size and/or other properties. This substitution occurs at a position that is conserved across species. In silico analysis predicts this variant is probably damaging to the protein structure/function. We interpret A226T as a variant of uncertain significance.

Natera, Inc.
Classification: Uncertain significance for Primary hyperoxaluria type I. Last evaluated: 2020-01-27. Review status: no assertion criteria provided. Collection method: clinical testing. Allele origin: germline. Not counted in ClinVar's aggregate classification.

NM_000030.3(AGXT):c.676G>A (p.Ala226Thr)

Gene: AGXT (alanine--glyoxylate aminotransferase; plus strand). Cytogenetic location: 2q37.3.
Variant type: single nucleotide variant.
Coding change: c.676G>A on transcript NM_000030.3 (MANE Select); coding-DNA position 676, G replaced by A.
Protein change: p.Ala226Thr; replaces alanine 226 with threonine.
Molecular consequence: missense variant.
Genome position (GRCh38, 1-based): chr2:240,874,058, G>A. VCF-style: chr2-240874058-G-A. GRCh37 (hg19) VCF-style: chr2-241813475-G-A.
Other names: short protein forms A226T.
Identifiers: ClinVar variation 451443 (VCV000451443.3), dbSNP rs749577985, ClinGen allele CA351317085.
Genomic context (GRCh38, chr2:240,874,058, plus strand): 5'-GGCTCCCAGAAGGCCCTGAACGCCCCTCCAGGGACCTCGCTCATCTCCTTCAGTGACAAG[G>A]CCAAGTGAGTGACCCACAGACCCTCACCTCTGTGCAGGGCTGGGCTTGCAGGGAGCTCAG-3'
Protein context (NP_000021.1, residues 216-236): GTSLISFSDK[Ala226Thr]KKKMYSRKTK